The following is an entry in ClinVar:

ClinVar aggregate classification (germline): Uncertain significance (1 of 4 stars; one submission).

Submission:

Labcorp Genetics (formerly Invitae), Labcorp
Classification: Uncertain significance. Last evaluated: 2022-04-21. Review status: criteria provided, single submitter. Criteria: Invitae Variant Classification Sherloc (09022015). Collection method: clinical testing. Allele origin: germline.
Comment: In summary, the available evidence is currently insufficient to determine the role of this variant in disease. Therefore, it has been classified as a Variant of Uncertain Significance. Algorithms developed to predict the effect of missense changes on protein structure and function are either unavailable or do not agree on the potential impact of this missense change (SIFT: "Tolerated"; PolyPhen-2: "Probably Damaging"; Align-GVGD: "Class C0"). This variant has not been reported in the literature in individuals affected with CLCN6-related conditions. This variant is not present in population databases (gnomAD no frequency). This sequence change replaces methionine, which is neutral and non-polar, with isoleucine, which is neutral and non-polar, at codon 203 of the CLCN6 protein (p.Met203Ile).

NM_001286.5(CLCN6):c.609G>A (p.Met203Ile)

Gene: CLCN6 (chloride voltage-gated channel 6; plus strand). Cytogenetic location: 1p36.22.
Variant type: single nucleotide variant.
Coding change: c.609G>A on transcript NM_001286.5 (MANE Select); coding-DNA position 609, G replaced by A.
Protein change: p.Met203Ile; replaces methionine 203 with isoleucine.
Molecular consequence: missense variant. On other transcripts: non-coding transcript variant (1).
Genome position (GRCh38, 1-based): chr1:11,824,514, G>A. VCF-style: chr1-11824514-G-A. GRCh37 (hg19) VCF-style: chr1-11884571-G-A.
Other names: c.543G>A, p.Met181Ile (NM_001256959.2); short protein forms M181I, M203I.
Identifiers: ClinVar variation 2128652 (VCV002128652.4), dbSNP rs2523110121, ClinGen allele CA338428098.
Genomic context (GRCh38, chr1:11,824,514, plus strand): 5'-ACTGTTGGTCTTTCCTTTTTCACCCTGCCCAGGGCTCTTCGTGGAGAAGGAAGGCCCCAT[G>A]ATCCACAGTGGTTCGGTGGTGGGAGCTGGCCTCCCTCAGGTAAGATGGGCTGAGAGGGTG-3'
Protein context (NP_001277.2, residues 193-213): GGLFVEKEGP[Met203Ile]IHSGSVVGAG